The following is an entry in ClinVar:

NM_177972.3(TUB):c.1204C>T (p.Arg402Cys)

Genes: RIC3 (RIC3 acetylcholine receptor chaperone; minus strand), TUB (TUB bipartite transcription factor; plus strand). Cytogenetic location: 11p15.4.
Variant type: single nucleotide variant.
Coding change: c.1204C>T on transcript NM_177972.3 (MANE Select); coding-DNA position 1204, C replaced by T.
Protein change: p.Arg402Cys; replaces arginine 402 with cysteine.
Molecular consequence: missense variant.
Genome position (GRCh38, 1-based): chr11:8,100,590, C>T. VCF-style: chr11-8100590-C-T. GRCh37 (hg19) VCF-style: chr11-8122137-C-T.
Other names: c.1369C>T (NM_003320.4); c.1369C>T, p.Arg457Cys (NM_003320.5); short protein forms R402C, R457C.
Identifiers: ClinVar variation 1024036 (VCV001024036.9), dbSNP rs144484513, ClinGen allele CA5871395.

ClinVar aggregate classification (germline): Uncertain significance. Review status: criteria provided, multiple submitters, no conflicts (2 of 4 stars). 4 submissions from 4 submitters: Uncertain significance (4). Last evaluated 2026-07-13.

Conditions:
TUB-related disorder. Also called: TUB-related condition.

Allele frequency attached by ClinVar (database versions not stated): ExAC 0.00010; gnomAD exomes 0.00012; TOPMed 0.00014; gnomAD 0.00016 and 0.00017; 1000 Genomes Project 0.00020; 1000 Genomes Project 30x 0.00062.
gnomAD v4.1: 135 of 1,613,886 alleles (0.0084%); highest among the groups gnomAD compares: African/African-American, 0.048%; 1 homozygote.

Submissions (4):

PreventionGenetics, part of Exact Sciences
Classification: Uncertain significance for TUB-related condition. Last evaluated: 2026-07-13. Review status: criteria provided, single submitter. Criteria: ACMG Guidelines, 2015. Collection method: clinical testing. Allele origin: germline.
Comment: The TUB c.1369C>T variant is predicted to result in the amino acid substitution p.Arg457Cys. To our knowledge, this variant has not been reported in the literature. This variant is reported in 0.052% of alleles in individuals of African descent in gnomAD, which may be too common to be an undocumented cause of disease. Although we suspect that this variant may be benign, at this time, the clinical significance of this variant is uncertain due to the absence of conclusive functional and genetic evidence.

Labcorp Genetics (formerly Invitae), Labcorp
Classification: Uncertain significance. Last evaluated: 2025-07-21. Review status: criteria provided, single submitter. Criteria: Invitae Variant Classification Sherloc (09022015). Collection method: clinical testing. Allele origin: germline.
Comment: This sequence change replaces arginine, which is basic and polar, with cysteine, which is neutral and slightly polar, at codon 457 of the TUB protein (p.Arg457Cys). This variant is present in population databases (rs144484513, gnomAD 0.05%). This variant has not been reported in the literature in individuals affected with TUB-related conditions. ClinVar contains an entry for this variant (Variation ID: 1024036). An algorithm developed to predict the effect of missense changes on protein structure and function (PolyPhen-2) suggests that this variant is likely to be disruptive. In summary, the available evidence is currently insufficient to determine the role of this variant in disease. Therefore, it has been classified as a Variant of Uncertain Significance.

GeneDx
Classification: Uncertain significance. Last evaluated: 2025-07-02. Review status: criteria provided, single submitter. Criteria: GeneDx Variant Classification Process June 2021. Collection method: clinical testing. Allele origin: germline. Affected: yes.
Comment: In silico analysis supports that this missense variant has a deleterious effect on protein structure/function; Has not been previously published as pathogenic or benign to our knowledge

Blueprint Genetics
Classification: Uncertain significance. Last evaluated: 2023-09-27. Review status: criteria provided, single submitter. Criteria: ACMG Guidelines, 2015. Collection method: clinical testing. Allele origin: germline.